The following is an entry in ClinVar:

NM_000548.5(TSC2):c.490G>A (p.Val164Ile)

Gene: TSC2 (TSC complex subunit 2; plus strand). Cytogenetic location: 16p13.3.
Variant type: single nucleotide variant.
Coding change: c.490G>A on transcript NM_000548.5 (MANE Select); coding-DNA position 490, G replaced by A.
Protein change: p.Val164Ile; replaces valine 164 with isoleucine.
Molecular consequence: missense variant. On other transcripts: 5 prime UTR variant (13), non-coding transcript variant (5), intron variant (7).
Genome position (GRCh38, 1-based): chr16:2,055,410, G>A. VCF-style: chr16-2055410-G-A. GRCh37 (hg19) VCF-style: chr16-2105411-G-A.
Other names: c.490G>A, p.Val164Ile (NM_001077183.3, NM_001114382.3, NM_001363528.2 and 8 more transcripts); c.523G>A, p.Val175Ile (NM_001318832.2); c.379G>A, p.Val127Ile (NM_001318827.2, NM_001406670.1, NM_001406678.1); c.343G>A, p.Val115Ile (NM_001318829.2, NM_001406675.1, NM_001406676.1 and 1 more transcripts); c.580G>A, p.Val194Ile (NM_001406667.1, NM_001406668.1); c.433G>A, p.Val145Ile (NM_001406677.1); c.-327G>A (NM_001406680.1, NM_001406683.1, NM_001406687.1); c.-942G>A (NM_001406689.1, NM_001406690.1, NM_001406691.1 and 2 more transcripts); and 6 more; short protein forms V145I, V175I, V115I, V164I, V194I, V127I.
Identifiers: ClinVar variation 2449979 (VCV002449979.2), dbSNP rs1596270687, ClinGen allele CA394309096.
Genomic context (GRCh38, chr16:2,055,410, plus strand): 5'-GTGGGAGATGTAGATTCGGCGTCCTCGCAAACTGCCGCCGCTTCTCCCCCAGCTGACTTT[G>A]TCCTGCAGTGGATGGATGTTGGCTTGTCCTCGGAATTCCTTCTGGTGCTGGTGAACTTGG-3'
Protein context (NP_000539.2, residues 154-174): TYLEEELADF[Val164Ile]LQWMDVGLSS

ClinVar aggregate classification (germline): Uncertain significance (1 of 4 stars; one submission).

Conditions:
Hereditary cancer-predisposing syndrome. Also called: Neoplastic Syndromes, Hereditary; Tumor predisposition; Hereditary neoplastic syndrome; Hereditary Cancer Syndrome. Identifiers: Orphanet 140162, MedGen C0027672, MeSH D009386, MONDO:0015356.

Submission:

Ambry Genetics
Classification: Uncertain significance for Hereditary cancer-predisposing syndrome. Last evaluated: 2023-01-25. Review status: criteria provided, single submitter. Criteria: Ambry Variant Classification Scheme 2023. Collection method: clinical testing. Allele origin: germline.
Comment: The p.V164I variant (also known as c.490G>A), located in coding exon 5 of the TSC2 gene, results from a G to A substitution at nucleotide position 490. The valine at codon 164 is replaced by isoleucine, an amino acid with highly similar properties. This amino acid position is highly conserved in available vertebrate species. In addition, the in silico prediction for this alteration is inconclusive. Since supporting evidence is limited at this time, the clinical significance of this alteration remains unclear.